The following is an entry in ClinVar:

ClinVar aggregate classification (germline): Uncertain significance. Review status: criteria provided, multiple submitters, no conflicts (2 of 4 stars). 2 submissions from 2 submitters: Uncertain significance (2). Last evaluated 2025-09-28.

Conditions:
Proline dehydrogenase deficiency (HYRPRO1). Also called: PROLINE OXIDASE DEFICIENCY; Hyperprolinemia type 1. Identifiers: Orphanet 419, MedGen C0268529, MONDO:0009400, OMIM 239500.
Schizophrenia 4 (SCZD4). Also called: SCHIZOPHRENIA SUSCEPTIBILITY LOCUS, CHROMOSOME 22q11-RELATED; SCHIZOPHRENIA, SUSCEPTIBILITY TO, 4. Identifiers: MedGen C1833247, MONDO:0010943, OMIM 600850.

Submissions (2):

Labcorp Genetics (formerly Invitae), Labcorp
Classification: Uncertain significance for Proline dehydrogenase deficiency. Last evaluated: 2025-09-28. Review status: criteria provided, single submitter. Criteria: Invitae Variant Classification Sherloc (09022015). Collection method: clinical testing. Allele origin: germline.
Comment: This sequence change replaces arginine, which is basic and polar, with tryptophan, which is neutral and slightly polar, at codon 579 of the PRODH protein (p.Arg579Trp). This variant is present in population databases (rs377373292, gnomAD 0.01%). This variant has not been reported in the literature in individuals affected with PRODH-related conditions. ClinVar contains an entry for this variant (Variation ID: 3587783). Invitae Evidence Modeling of protein sequence and biophysical properties (such as structural, functional, and spatial information, amino acid conservation, physicochemical variation, residue mobility, and thermodynamic stability) indicates that this missense variant is expected to disrupt PRODH protein function with a positive predictive value of 80%. In summary, the available evidence is currently insufficient to determine the role of this variant in disease. Therefore, it has been classified as a Variant of Uncertain Significance.

Fulgent Genetics
Classification: Uncertain significance for Proline dehydrogenase deficiency; Schizophrenia 4. Last evaluated: 2024-02-06. Review status: criteria provided, single submitter. Criteria: ACMG Guidelines, 2015. Collection method: clinical testing. Allele origin: germline.

NM_016335.6(PRODH):c.1735C>T (p.Arg579Trp)

Gene: PRODH (proline dehydrogenase 1; minus strand). Cytogenetic location: 22q11.21.
Variant type: single nucleotide variant.
Coding change: c.1735C>T on transcript NM_016335.6 (MANE Select); coding-DNA position 1735, C replaced by T.
Protein change: p.Arg579Trp; replaces arginine 579 with tryptophan.
Molecular consequence: missense variant.
Genome position (GRCh38, 1-based): chr22:18,913,243, G>A on the plus strand (C>T on the coding strand, the complement: PRODH is on the minus strand). VCF-style: chr22-18913243-G-A. GRCh37 (hg19) VCF-style: chr22-18900756-G-A.
Other names: c.1411C>T, p.Arg471Trp (NM_001195226.2, NM_001368250.2); short protein forms R471W, R579W.
Identifiers: ClinVar variation 3587783 (VCV003587783.2).